The following is an entry in ClinVar:

ClinVar aggregate classification (germline): Benign. Review status: criteria provided, single submitter (1 of 4 stars). 3 submissions from 1 submitter: Benign (3). Last evaluated 2018-01-13.

Conditions:
Familial amyloid nephropathy with urticaria AND deafness (MWS). Also called: UDA SYNDROME; URTICARIA-DEAFNESS-AMYLOIDOSIS SYNDROME; MUCKLE-WELLS SYNDROME; Urticaria, deafness and amyloidosis; CRYOPYRIN-ASSOCIATED PERIODIC SYNDROME 2. Identifiers: Orphanet 575, MedGen C0268390, MONDO:0008633, OMIM 191900.
Familial cold autoinflammatory syndrome 1 (FCAS1). Also called: CRYOPYRIN-ASSOCIATED PERIODIC SYNDROME 1; Familial cold inflammatory syndrome 1. Identifiers: Orphanet 47045, MedGen C4551895, MONDO:0007349, OMIM 120100.
Chronic infantile neurological, cutaneous and articular syndrome (CINCA). Also called: CHRONIC NEUROLOGIC CUTANEOUS AND ARTICULAR SYNDROME; CINCA syndrome; Prieur Griscelli syndrome; CRYOPYRIN-ASSOCIATED PERIODIC SYNDROME 3. Identifiers: Orphanet 1451, MedGen C0409818, MONDO:0011776, OMIM 607115.

Allele frequency attached by ClinVar (database versions not stated): 1000 Genomes Project 30x 0.00265; 1000 Genomes Project 0.00300; TOPMed 0.00345; gnomAD exomes 0.00385; gnomAD 0.00694 and 0.00720.
gnomAD v4.1: 1,132 of 176,730 alleles (0.64%); highest among the groups gnomAD compares: Non-Finnish European, 0.79%; 13 homozygotes.

Submissions (3):

Illumina Laboratory Services, Illumina
Classification: Benign for Familial cold autoinflammatory syndrome 1. Last evaluated: 2018-01-13. Review status: criteria provided, single submitter. Criteria: ICSL Variant Classification Criteria 13 December 2019. Collection method: clinical testing. Allele origin: germline.
Comment: This variant was observed in the ICSL laboratory as part of a predisposition screen in an ostensibly healthy population. It had not been previously curated by ICSL or reported in the Human Gene Mutation Database (HGMD: prior to June 1st, 2018), and was therefore a candidate for classification through an automated scoring system. Utilizing variant allele frequency, disease prevalence and penetrance estimates, and inheritance mode, an automated score was calculated to assess if this variant is too frequent to cause the disease. Based on the score and internal cut-off values, a variant classified as benign is not then subjected to further curation. The score for this variant resulted in a classification of benign for this disease.

Illumina Laboratory Services, Illumina
Classification: Benign for Chronic infantile neurological, cutaneous and articular syndrome. Last evaluated: 2018-01-13. Review status: criteria provided, single submitter. Criteria: ICSL Variant Classification Criteria 13 December 2019. Collection method: clinical testing. Allele origin: germline.
Comment: the same text as in the submission from Illumina Laboratory Services, Illumina above.

Illumina Laboratory Services, Illumina
Classification: Benign for Familial amyloid nephropathy with urticaria AND deafness. Last evaluated: 2018-01-13. Review status: criteria provided, single submitter. Criteria: ICSL Variant Classification Criteria 13 December 2019. Collection method: clinical testing. Allele origin: germline.
Comment: the same text as in the submission from Illumina Laboratory Services, Illumina above.

NM_001243133.2(NLRP3):c.-543A>T

Gene: NLRP3 (NLR family pyrin domain containing 3; plus strand). Cytogenetic location: 1q44.
Variant type: single nucleotide variant.
Coding change: c.-543A>T on transcript NM_001243133.2 (MANE Select); 543 bases upstream of the start codon, A replaced by T.
Molecular consequence: 5 prime UTR variant.
Genome position (GRCh38, 1-based): chr1:247,418,258, A>T. VCF-style: chr1-247418258-A-T. GRCh37 (hg19) VCF-style: chr1-247581560-A-T.
Other names: c.-77A>T (NM_001079821.3); c.-543A>T (NM_001127461.3, NM_001127462.3, NM_183395.3); c.-537A>T (NM_004895.5).
Identifiers: ClinVar variation 296927 (VCV000296927.5), dbSNP rs116502550, ClinGen allele CA10610765.
Genomic context (GRCh38, chr1:247,418,258, plus strand): 5'-TGGATTTGTTTGCATATTTTTCCCTCCATAGGGAAACCTTTCTTCCATGGCTCAGGACAC[A>T]CTCCTGGATCGAGCCAACAGGAGAACTTTCTGGTAAGCATTTGGCTAACTTTTTTTTTTT-3'